The following is an entry in ClinVar:

ClinVar aggregate classification (germline): Uncertain significance (1 of 4 stars; one submission).

Conditions:
Familial cancer of breast. Also called: Hereditary breast cancer; hereditary breast carcinoma; BREAST CANCER, FAMILIAL. Identifiers: Orphanet 227535, MedGen C0346153, MONDO:0016419, OMIM 114480. Disease mechanism: loss of function.

gnomAD v4.1: 1 of 1,614,008 alleles (0.000062%); highest among the groups gnomAD compares: Non-Finnish European, 0.000085%; no homozygotes.

Submission:

Labcorp Genetics (formerly Invitae), Labcorp
Classification: Uncertain significance for Familial cancer of breast. Last evaluated: 2024-07-30. Review status: criteria provided, single submitter. Criteria: Invitae Variant Classification Sherloc (09022015). Collection method: clinical testing. Allele origin: germline.
Comment: This sequence change replaces phenylalanine, which is neutral and non-polar, with leucine, which is neutral and non-polar, at codon 155 of the PALB2 protein (p.Phe155Leu). This variant is not present in population databases (gnomAD no frequency). This variant has not been reported in the literature in individuals affected with PALB2-related conditions. An algorithm developed to predict the effect of missense changes on protein structure and function outputs the following: PolyPhen-2: "Benign". The leucine amino acid residue is found in multiple mammalian species, which suggests that this missense change does not adversely affect protein function. In summary, the available evidence is currently insufficient to determine the role of this variant in disease. Therefore, it has been classified as a Variant of Uncertain Significance.

NM_024675.4(PALB2):c.465T>G (p.Phe155Leu)

Gene: PALB2 (partner and localizer of BRCA2; minus strand). Cytogenetic location: 16p12.2.
Variant type: single nucleotide variant.
Coding change: c.465T>G on transcript NM_024675.4 (MANE Select); coding-DNA position 465, T replaced by G.
Protein change: p.Phe155Leu; replaces phenylalanine 155 with leucine.
Molecular consequence: missense variant. On other transcripts: 5 prime UTR variant (8), intron variant (3).
Genome position (GRCh38, 1-based): chr16:23,636,081, A>C on the plus strand (T>G on the coding strand, the complement: PALB2 is on the minus strand). VCF-style: chr16-23636081-A-C. GRCh37 (hg19) VCF-style: chr16-23647402-A-C.
Other names: c.405T>G, p.Phe135Leu (NM_001407296.1); c.465T>G, p.Phe155Leu (NM_001407297.1, NM_001407298.1, NM_001407299.1 and 3 more transcripts); c.-421T>G (NM_001407304.1, NM_001407305.1, NM_001407306.1 and 5 more transcripts); c.48+5029T>G (NM_001407314.1); c.-105+5029T>G (NM_001407313.1, NM_001407312.1); short protein forms F135L, F155L.
Identifiers: ClinVar variation 3660953 (VCV003660953.2).